The following is an entry in ClinVar:

ClinVar aggregate classification (germline): Pathogenic. Review status: criteria provided, single submitter (1 of 4 stars). 2 submissions from 2 submitters: Pathogenic (1). 1 of the submissions does not count toward it. Last evaluated 2018-07-20.

Conditions:
TCF12-related disorder. Also called: TCF12-related condition.
Inborn genetic diseases. Identifiers: MedGen C0950123, MeSH D030342.

Submissions (2):

Ambry Genetics
Classification: Pathogenic for Inborn genetic diseases. Last evaluated: 2018-07-20. Review status: criteria provided, single submitter. Criteria: Ambry exome assertion method (8-5-2015). Collection method: clinical testing. Allele origin: germline. Affected: yes. Observed: 1 variant allele.

PreventionGenetics, part of Exact Sciences
Classification: Likely pathogenic for TCF12-related condition. Last evaluated: 2024-06-21. Review status: no assertion criteria provided. Collection method: clinical testing. Allele origin: germline. Not counted in ClinVar's aggregate classification.
Comment: The TCF12 c.798T>G variant is predicted to result in premature protein termination (p.Tyr266*). To our knowledge, this variant has not been reported in the literature or in a large population database, indicating this variant is rare. Nonsense variants in TCF12 are expected to be pathogenic. This variant is interpreted as likely pathogenic.

NM_207037.2(TCF12):c.798T>G (p.Tyr266Ter)

Gene: TCF12 (transcription factor 12; plus strand). Cytogenetic location: 15q21.3.
Variant type: single nucleotide variant.
Coding change: c.798T>G on transcript NM_207037.2 (MANE Select); coding-DNA position 798, T replaced by G.
Protein change: p.Tyr266Ter; replaces tyrosine 266 with a stop codon.
Molecular consequence: nonsense. On other transcripts: intron variant (1).
Genome position (GRCh38, 1-based): chr15:57,232,403, T>G. VCF-style: chr15-57232403-T-G. GRCh37 (hg19) VCF-style: chr15-57524601-T-G.
Other names: c.288T>G, p.Tyr96Ter (NM_001306219.3, NM_207040.2); c.798T>G, p.Tyr266Ter (NM_001322151.2, NM_001322152.2, NM_001322157.3 and 7 more transcripts); c.141T>G, p.Tyr47Ter (NM_001322154.2); c.624T>G, p.Tyr208Ter (NM_001322156.2, NM_001322158.2); c.834T>G, p.Tyr278Ter (NM_001322164.2); c.118-309T>G (NM_001306220.3); c.798T>G (NM_207036.1); short protein forms Y208*, Y266*, Y278*, Y47*, Y96*.
Identifiers: ClinVar variation 986167 (VCV000986167.4), dbSNP rs1417620080, ClinGen allele CA392592381.